The following is an entry in ClinVar:

NM_003742.4(ABCB11):c.77-19T>A

Gene: ABCB11 (ATP binding cassette subfamily B member 11; minus strand). Cytogenetic location: 2q31.1.
Variant type: single nucleotide variant.
Coding change: c.77-19T>A on transcript NM_003742.4 (MANE Select); 19 bases into the intron before coding-DNA position 77, T replaced by A.
Molecular consequence: intron variant.
Genome position (GRCh38, 1-based): chr2:169,016,818, A>T on the plus strand (T>A on the coding strand, the complement: ABCB11 is on the minus strand). VCF-style: chr2-169016818-A-T. GRCh37 (hg19) VCF-style: chr2-169873328-A-T.
Identifiers: ClinVar variation 4846720 (VCV004846720.1).
Genomic context (GRCh38, chr2:169,016,818, plus strand): 5'-TGTTGAAATCAGTCACTTACCTTGATTTCTTATCATTATTATCTGTCAGAAAAAAAAATC[A>T]ACGCAAAAAAGCAGTTAATAATAATGACAAAATGCAACGCAGTCATTAAGAAATTTGCTC-3'

ClinVar aggregate classification (germline): Uncertain significance (1 of 4 stars; one submission).

Conditions:
Familial intrahepatic cholestasis. Identifiers: Orphanet 284385, MedGen CN296401, MONDO:0017290.

Submission:

Genomenon, Inc
Classification: Uncertain significance for Familial intrahepatic cholestasis. Last evaluated: 2026-04-14. Review status: criteria provided, single submitter. Criteria: Genomenon Sequence Variant Interpretation Standards - Updated. Collection method: curation. Allele origin: germline. Affected: yes.
Comment: ABCB11 c.77-19T>A is an intronic variant located in the acceptor splice region of intron 2. This variant has been observed in at least one proband with an ABCB11-related disorder (PMID:20800306). It is absent or not present at a significant frequency in gnomAD. In silico models predict that this variant is possibly or probably damaging. In conclusion, we classify ABCB11 c.77-19T>A as a variant of uncertain significance.

Literature cited by the submitters: PubMed 20800306.